The following is an entry in ClinVar:

ClinVar aggregate classification (germline): Pathogenic (1 of 4 stars; one submission).

Conditions:
Marfan syndrome (MFS). Also called: FBN1-Related Marfan Syndrome; MARFAN SYNDROME, TYPE I; Marfan syndrome type 1; Marfan's syndrome; Marfan syndrome, classic. Identifiers: Orphanet 284963, Orphanet 558, MedGen C0024796, MONDO:0007947, OMIM 154700.
Familial thoracic aortic aneurysm and aortic dissection (TAAD). Also called: Thoracic aortic aneurysms and dissections. Identifiers: Orphanet 91387, MedGen C4707243, MONDO:0019625.

Submission:

Labcorp Genetics (formerly Invitae), Labcorp
Classification: Pathogenic for Marfan syndrome; Familial thoracic aortic aneurysm and aortic dissection. Last evaluated: 2025-11-16. Review status: criteria provided, single submitter. Criteria: Invitae Variant Classification Sherloc (09022015). Collection method: clinical testing. Allele origin: germline.
Comment: This sequence change creates a premature translational stop signal (p.Val2172Leufs*13) in the FBN1 gene. It is expected to result in an absent or disrupted protein product. Loss-of-function variants in FBN1 are known to be pathogenic (PMID: 17657824, 19293843). This variant is not present in population databases (gnomAD no frequency). This premature translational stop signal has been observed in individual(s) with FBN1-related conditions (PMID: 10464652). For these reasons, this variant has been classified as Pathogenic.

Literature cited by the submitters: PubMed 17657824; PubMed 19293843; PubMed 10464652.

NM_000138.5(FBN1):c.6513del (p.Val2172fs)

Gene: FBN1 (fibrillin 1; minus strand). Cytogenetic location: 15q21.1.
Variant type: Deletion.
Coding change: c.6513del on transcript NM_000138.5 (MANE Select); coding-DNA position 6513, one base deleted (T; older notation c.6513delT).
Protein change: p.Val2172fs; shifts the reading frame from valine 2172.
Molecular consequence: frameshift variant.
Genome position (GRCh38, 1-based): chr15:48,434,697, A deleted on the plus strand (T on the coding strand, the reverse complement: FBN1 is on the minus strand). VCF-style (leftmost placement, unchanged base first): chr15-48434696-CA-C. GRCh37 (hg19) VCF-style: chr15-48726893-CA-C.
Other names: c.6513del, p.Val2172fs (NM_001406716.1); short protein forms V2172fs.
Identifiers: ClinVar variation 4783790 (VCV004783790.1).